The following is an entry in ClinVar:

ClinVar aggregate classification (germline): Uncertain significance (1 of 4 stars; one submission).

gnomAD v4.1: 17 of 1,614,116 alleles (0.0011%); highest among the groups gnomAD compares: Admixed American, 0.0067%; no homozygotes.

Submission:

Labcorp Genetics (formerly Invitae), Labcorp
Classification: Uncertain significance. Last evaluated: 2025-04-08. Review status: criteria provided, single submitter. Criteria: Invitae Variant Classification Sherloc (09022015). Collection method: clinical testing. Allele origin: germline.
Comment: This sequence change replaces serine, which is neutral and polar, with leucine, which is neutral and non-polar, at codon 310 of the KLB protein (p.Ser310Leu). This variant is present in population databases (rs201377023, gnomAD 0.01%). This variant has not been reported in the literature in individuals affected with KLB-related conditions. Invitae Evidence Modeling of protein sequence and biophysical properties (such as structural, functional, and spatial information, amino acid conservation, physicochemical variation, residue mobility, and thermodynamic stability) indicates that this missense variant is not expected to disrupt KLB protein function with a negative predictive value of 80%. In summary, the available evidence is currently insufficient to determine the role of this variant in disease. Therefore, it has been classified as a Variant of Uncertain Significance.

NM_175737.4(KLB):c.929C>T (p.Ser310Leu)

Gene: KLB (klotho beta; plus strand). Cytogenetic location: 4p14.
Variant type: single nucleotide variant.
Coding change: c.929C>T on transcript NM_175737.4 (MANE Select); coding-DNA position 929, C replaced by T.
Protein change: p.Ser310Leu; replaces serine 310 with leucine.
Molecular consequence: missense variant.
Genome position (GRCh38, 1-based): chr4:39,434,313, C>T. VCF-style: chr4-39434313-C-T. GRCh37 (hg19) VCF-style: chr4-39435933-C-T.
Other names: short protein forms S310L.
Identifiers: ClinVar variation 4803622 (VCV004803622.1).
Genomic context (GRCh38, chr4:39,434,313, plus strand): 5'-CACATCAGAAGGGTTGGTTATCGATCACGTTGGGATCTCATTGGATCGAGCCAAACCGGT[C>T]GGAAAACACGATGGATATATTCAAATGTCAACAATCCATGGTTTCTGTGCTTGGATGGTT-3'
Protein context (NP_783864.1, residues 300-320): LGSHWIEPNR[Ser310Leu]ENTMDIFKCQ